The following is an entry in ClinVar:

NM_177438.3(DICER1):c.3444A>T (p.Gln1148His)

Gene: DICER1 (dicer 1, ribonuclease III; minus strand). Cytogenetic location: 14q32.13.
Variant type: single nucleotide variant.
Coding change: c.3444A>T on transcript NM_177438.3 (MANE Select); coding-DNA position 3444, A replaced by T.
Protein change: p.Gln1148His; replaces glutamine 1148 with histidine.
Molecular consequence: missense variant. On other transcripts: non-coding transcript variant (6).
Genome position (GRCh38, 1-based): chr14:95,103,952, T>A on the plus strand (A>T on the coding strand, the complement: DICER1 is on the minus strand). VCF-style: chr14-95103952-T-A. GRCh37 (hg19) VCF-style: chr14-95570289-T-A.
Other names: c.3444A>T, p.Gln1148His (NM_001195573.1, NM_001271282.3, NM_001291628.2 and 13 more transcripts); c.3162A>T, p.Gln1054His (NM_001395686.1); c.3039A>T, p.Gln1013His (NM_001395687.1, NM_001395688.1, NM_001395689.1 and 2 more transcripts); c.2877A>T, p.Gln959His (NM_001395691.1); c.1761A>T, p.Gln587His (NM_001395697.1); short protein forms Q1013H, Q1148H, Q587H, Q1054H, Q959H.
Identifiers: ClinVar variation 1731492 (VCV001731492.2), dbSNP rs2139968463, ClinGen allele CA390875407.

ClinVar aggregate classification (germline): Uncertain significance (1 of 4 stars; one submission).

Conditions:
Hereditary cancer-predisposing syndrome. Also called: Neoplastic Syndromes, Hereditary; Tumor predisposition; Hereditary Cancer Syndrome; Hereditary neoplastic syndrome. Identifiers: Orphanet 140162, MedGen C0027672, MeSH D009386, MONDO:0015356.

Submission:

Ambry Genetics
Classification: Uncertain significance for Hereditary cancer-predisposing syndrome. Last evaluated: 2020-01-10. Review status: criteria provided, single submitter. Criteria: Ambry Variant Classification Scheme 2023. Collection method: clinical testing. Allele origin: germline.
Comment: The p.Q1148H variant (also known as c.3444A>T), located in coding exon 20 of the DICER1 gene, results from an A to T substitution at nucleotide position 3444. The glutamine at codon 1148 is replaced by histidine, an amino acid with highly similar properties. This amino acid position is well conserved in available vertebrate species. In addition, the in silico prediction for this alteration is inconclusive. Since supporting evidence is limited at this time, the clinical significance of this alteration remains unclear.